The following is an entry in ClinVar:

ClinVar aggregate classification (germline): Benign/Likely benign. Review status: criteria provided, multiple submitters, no conflicts (2 of 4 stars). 4 submissions from 4 submitters: Benign (2); Likely benign (1). 1 of the submissions does not count toward it. Last evaluated 2022-08-01.

Conditions:
AXIN1-related disorder. Also called: AXIN1-related condition.

Allele frequency attached by ClinVar (database versions not stated): 1000 Genomes Project 30x 0.00187; 1000 Genomes Project 0.00200; gnomAD 0.00352 and 0.00357; TOPMed 0.00383; ExAC 0.00410; ESP Exome Variant Server 0.00515.
gnomAD v4.1: 9,291 of 1,575,138 alleles (0.59%); highest among the groups gnomAD compares: Non-Finnish European, 0.71%; 37 homozygotes.

Submissions (4):

CeGaT Center for Human Genetics Tuebingen
Classification: Likely benign. Last evaluated: 2022-08-01. Review status: criteria provided, single submitter. Criteria: CeGaT Center For Human Genetics Tuebingen Variant Classification Criteria Version 2. Collection method: clinical testing. Allele origin: germline. Affected: yes. Observed: 1 variant allele.
Comment: AXIN1: BP4, BP7

Labcorp Genetics (formerly Invitae), Labcorp
Classification: Benign. Last evaluated: 2019-12-31. Review status: criteria provided, single submitter. Criteria: Invitae Variant Classification Sherloc (09022015). Collection method: clinical testing. Allele origin: germline.

Breakthrough Genomics
Classification: Benign. Review status: criteria provided, single submitter. Criteria: ACMG Guidelines, 2015. Collection method: not provided. Allele origin: germline. Inheritance: Other. Affected: yes.

PreventionGenetics, part of Exact Sciences
Classification: Benign for AXIN1-related condition. Last evaluated: 2019-06-02. Review status: no assertion criteria provided. Collection method: clinical testing. Allele origin: germline. Not counted in ClinVar's aggregate classification.
Comment: This variant is classified as benign based on ACMG/AMP sequence variant interpretation guidelines (Richards et al. 2015 PMID: 25741868, with internal and published modifications).

NM_003502.4(AXIN1):c.1677G>A (p.Gln559=)

Gene: AXIN1 (axin 1; minus strand). Cytogenetic location: 16p13.3.
Variant type: single nucleotide variant.
Coding change: c.1677G>A on transcript NM_003502.4 (MANE Select); coding-DNA position 1677, G replaced by A.
Protein change: p.Gln559=; no amino-acid change (glutamine 559 retained).
Molecular consequence: synonymous variant. On other transcripts: non-coding transcript variant (1).
Genome position (GRCh38, 1-based): chr16:297,829, C>T on the plus strand (G>A on the coding strand, the complement: AXIN1 is on the minus strand). VCF-style: chr16-297829-C-T. GRCh37 (hg19) VCF-style: chr16-347829-C-T.
Other names: c.1677G>A, p.Gln559= (NM_181050.3).
Identifiers: ClinVar variation 776950 (VCV000776950.30), dbSNP rs149536239, ClinGen allele CA7774126.